The following is an entry in ClinVar:

NM_001134407.3(GRIN2A):c.1489A>T (p.Ile497Phe)

Gene: GRIN2A (glutamate ionotropic receptor NMDA type subunit 2A; minus strand). Cytogenetic location: 16p13.2.
Variant type: single nucleotide variant.
Coding change: c.1489A>T on transcript NM_001134407.3 (MANE Select); coding-DNA position 1489, A replaced by T.
Protein change: p.Ile497Phe; replaces isoleucine 497 with phenylalanine.
Molecular consequence: missense variant.
Genome position (GRCh38, 1-based): chr16:9,840,944, T>A on the plus strand (A>T on the coding strand, the complement: GRIN2A is on the minus strand). VCF-style: chr16-9840944-T-A. GRCh37 (hg19) VCF-style: chr16-9934801-T-A.
Other names: c.1489A>T, p.Ile497Phe (NM_000833.5, NM_001134408.2); short protein forms I497F.
Identifiers: ClinVar variation 652832 (VCV000652832.9), dbSNP rs1596483730, ClinGen allele CA394800529.

ClinVar aggregate classification (germline): Uncertain significance. Review status: criteria provided, multiple submitters, no conflicts (2 of 4 stars). 2 submissions from 2 submitters: Uncertain significance (2). Last evaluated 2022-07-01.

Conditions:
Landau-Kleffner syndrome (FESD). Also called: EPILEPSY, FOCAL, WITH SPEECH DISORDER AND WITH OR WITHOUT MENTAL RETARDATION; APHASIA, ACQUIRED, WITH EPILEPSY. Identifiers: Orphanet 1945, Orphanet 725, Orphanet 98818, MedGen C0282512, MONDO:0009509, OMIM 245570.

Submissions (2):

GeneDx
Classification: Uncertain significance. Last evaluated: 2022-07-01. Review status: criteria provided, single submitter. Criteria: GeneDx Variant Classification Process June 2021. Collection method: clinical testing. Allele origin: germline. Affected: yes.
Comment: Not observed at significant frequency in large population cohorts (gnomAD); In silico analysis supports that this missense variant has a deleterious effect on protein structure/function; Has not been previously published as pathogenic or benign to our knowledge; This variant is associated with the following publications: (PMID: 27839871)

Labcorp Genetics (formerly Invitae), Labcorp
Classification: Uncertain significance for Landau-Kleffner syndrome. Last evaluated: 2021-10-13. Review status: criteria provided, single submitter. Criteria: Invitae Variant Classification Sherloc (09022015). Collection method: clinical testing. Allele origin: germline.
Comment: In summary, the available evidence is currently insufficient to determine the role of this variant in disease. Therefore, it has been classified as a Variant of Uncertain Significance. Algorithms developed to predict the effect of missense changes on protein structure and function are either unavailable or do not agree on the potential impact of this missense change (SIFT: "Deleterious"; PolyPhen-2: "Possibly Damaging"; Align-GVGD: "Class C0"). This variant has not been reported in the literature in individuals affected with GRIN2A-related conditions. This variant is not present in population databases (ExAC no frequency). This sequence change replaces isoleucine with phenylalanine at codon 497 of the GRIN2A protein (p.Ile497Phe). The isoleucine residue is highly conserved and there is a small physicochemical difference between isoleucine and phenylalanine.